The following is an entry in ClinVar:

ClinVar aggregate classification (germline): Uncertain significance. Review status: criteria provided, multiple submitters, no conflicts (2 of 4 stars). 6 submissions from 6 submitters: Uncertain significance (6). Last evaluated 2025-07-24.

Conditions:
Familial thoracic aortic aneurysm and aortic dissection (TAAD). Also called: Thoracic aortic aneurysms and dissections. Identifiers: Orphanet 91387, MedGen C4707243, MONDO:0019625.
Cardiovascular phenotype. Identifiers: MedGen CN230736.

Allele frequency attached by ClinVar (database versions not stated): ExAC 0.00001; gnomAD 0.00001; gnomAD exomes 0.00001; TOPMed 0.00001.
gnomAD v4.1: 6 of 1,613,604 alleles (0.00037%); highest among the groups gnomAD compares: Non-Finnish European, 0.00051%; no homozygotes.

Submissions (6):

Molecular Diagnostic Laboratory for Inherited Cardiovascular Disease, Montreal Heart Institute
Classification: Uncertain significance for Cardiovascular phenotype. Last evaluated: 2025-07-24. Review status: criteria provided, single submitter. Criteria: ACMG Guidelines, 2015. Collection method: clinical testing. Allele origin: germline. Affected: yes.
Comment: PP2

All of Us Research Program, National Institutes of Health
Classification: Uncertain significance for Familial thoracic aortic aneurysm and aortic dissection. Last evaluated: 2024-01-11. Review status: criteria provided, single submitter. Criteria: ACMG Guidelines, 2015. Collection method: clinical testing. Allele origin: germline. Inheritance: Autosomal dominant inheritance. Observed: 3 variant alleles, 3 heterozygotes.
Comment: This missense variant replaces serine with cysteine at codon 370 of the ACTA2 protein. Computational prediction tools and conservation analyses suggest that this variant may have deleterious impact on the protein function. Computational splicing tools suggest that this variant may not impact RNA splicing. To our knowledge, functional assays have not been performed for this variant nor has this variant been reported in individuals affected with cardiovascular disorders in the literature. This variant has been identified in 2/251242 chromosomes in the general population by the Genome Aggregation Database (gnomAD). Available evidence is insufficient to determine the role of this variant in disease conclusively. Therefore, this variant is classified as a Variant of Uncertain Significance.

This study involves interpretation of variants in research participants for the purpose of population health screening. Participant phenotype was not available at the time of variant classification. Additional details can be found in publication PMID: 35346344, PMCID: PMC8962531

Color Diagnostics, LLC DBA Color Health
Classification: Uncertain significance for Familial thoracic aortic aneurysm and aortic dissection. Last evaluated: 2023-12-05. Review status: criteria provided, single submitter. Criteria: ACMG Guidelines, 2015. Collection method: clinical testing. Allele origin: germline.
Comment: This missense variant replaces serine with cysteine at codon 370 of the ACTA2 protein. Computational prediction tools and conservation analyses suggest that this variant may have deleterious impact on the protein function. Computational splicing tools suggest that this variant may not impact RNA splicing. To our knowledge, functional assays have not been performed for this variant nor has this variant been reported in individuals affected with cardiovascular disorders in the literature. This variant has been identified in 2/251242 chromosomes in the general population by the Genome Aggregation Database (gnomAD). Available evidence is insufficient to determine the role of this variant in disease conclusively. Therefore, this variant is classified as a Variant of Uncertain Significance.

Ambry Genetics
Classification: Uncertain significance for Familial thoracic aortic aneurysm and aortic dissection. Last evaluated: 2023-10-27. Review status: criteria provided, single submitter. Criteria: Ambry Variant Classification Scheme 2023. Collection method: clinical testing. Allele origin: germline.
Comment: The p.S370C variant (also known as c.1109C>G), located in coding exon 8 of the ACTA2 gene, results from a C to G substitution at nucleotide position 1109. The serine at codon 370 is replaced by cysteine, an amino acid with dissimilar properties. This amino acid position is conserved. In addition, this alteration is predicted to be deleterious by in silico analysis. Since supporting evidence is limited at this time, the clinical significance of this alteration remains unclear.

CHEO Genetics Diagnostic Laboratory, Children's Hospital of Eastern Ontario
Classification: Uncertain significance for Familial thoracic aortic aneurysm and aortic dissection. Last evaluated: 2022-05-19. Review status: criteria provided, single submitter. Criteria: ACMG Guidelines, 2015. Collection method: clinical testing. Allele origin: germline.

AiLife Diagnostics
Classification: Uncertain significance. Last evaluated: 2021-08-25. Review status: criteria provided, single submitter. Criteria: ACMG Guidelines, 2015. Collection method: clinical testing. Allele origin: germline. Affected: yes. Observed: 1 variant allele.

NM_001613.4(ACTA2):c.1109C>G (p.Ser370Cys)

Genes: ACTA2 (actin alpha 2, smooth muscle; minus strand), ACTA2-AS1 (ACTA2 antisense RNA 1; plus strand). Cytogenetic location: 10q23.31.
Variant type: single nucleotide variant.
Coding change: c.1109C>G on transcript NM_001613.4 (MANE Select); coding-DNA position 1109, C replaced by G.
Protein change: p.Ser370Cys; replaces serine 370 with cysteine.
Molecular consequence: missense variant. On other transcripts: non-coding transcript variant (1).
Genome position (GRCh38, 1-based): chr10:88,935,248, G>C on the plus strand (C>G on the coding strand, the complement: ACTA2 is on the minus strand). VCF-style: chr10-88935248-G-C. GRCh37 (hg19) VCF-style: chr10-90695005-G-C.
Other names: c.1109C>G, p.Ser370Cys (NM_001141945.3, NM_001320855.2, NM_001406462.1 and 2 more transcripts); c.998C>G, p.Ser333Cys (NM_001406466.1); c.980C>G, p.Ser327Cys (NM_001406467.1, NM_001406468.1, NM_001406469.1); c.917C>G, p.Ser306Cys (NM_001406471.1); short protein forms S370C, S306C, S327C, S333C.
Identifiers: ClinVar variation 918694 (VCV000918694.13), dbSNP rs749867078, ClinGen allele CA026790.
Genomic context (GRCh38, chr10:88,935,248, plus strand): 5'-TGTGTGCTAGAGACAGAGAGGAGCAGGAAAGTGTTTTAGAAGCATTTGCGGTGGACAATG[G>C]AAGGCCCGGCTTCATCGTATTCCTGTTTGCTGATCCACATCTGCTGGAAGGTGGACAGAG-3'
Protein context (NP_001604.1, residues 360-377): SKQEYDEAGP[Ser370Cys]IVHRKCF